The following is an entry in ClinVar:

ClinVar aggregate classification (germline): Uncertain significance (1 of 4 stars; one submission).

Conditions:
Developmental and epileptic encephalopathy, 33 (DEE33). Also called: Epileptic encephalopathy, early infantile, 33. Identifiers: Orphanet 442835, MedGen C4225337, MONDO:0014625, OMIM 616409.

Submission:

Labcorp Genetics (formerly Invitae), Labcorp
Classification: Uncertain significance for Developmental and epileptic encephalopathy, 33. Last evaluated: 2020-05-26. Review status: criteria provided, single submitter. Criteria: Invitae Variant Classification Sherloc (09022015). Collection method: clinical testing. Allele origin: germline.
Comment: This variant has not been reported in the literature in individuals with EEF1A2-related conditions. In summary, the available evidence is currently insufficient to determine the role of this variant in disease. Therefore, it has been classified as a Variant of Uncertain Significance. Algorithms developed to predict the effect of missense changes on protein structure and function are either unavailable or do not agree on the potential impact of this missense change (SIFT: "Deleterious"; PolyPhen-2: "Probably Damaging"; Align-GVGD: "Class C0"). This variant is not present in population databases (ExAC no frequency). This sequence change replaces proline with threonine at codon 238 of the EEF1A2 protein (p.Pro238Thr). The proline residue is highly conserved and there is a small physicochemical difference between proline and threonine.

NM_001958.5(EEF1A2):c.712C>A (p.Pro238Thr)

Gene: EEF1A2 (eukaryotic translation elongation factor 1 alpha 2; minus strand). Cytogenetic location: 20q13.33.
Variant type: single nucleotide variant.
Coding change: c.712C>A on transcript NM_001958.5 (MANE Select); coding-DNA position 712, C replaced by A.
Protein change: p.Pro238Thr; replaces proline 238 with threonine.
Molecular consequence: missense variant.
Genome position (GRCh38, 1-based): chr20:63,493,197, G>T on the plus strand (C>A on the coding strand, the complement: EEF1A2 is on the minus strand). VCF-style: chr20-63493197-G-T. GRCh37 (hg19) VCF-style: chr20-62124550-G-T.
Other names: short protein forms P238T.
Identifiers: ClinVar variation 1064114 (VCV001064114.9), dbSNP rs2145943601, ClinGen allele CA409648714.